The following is an entry in ClinVar:

NM_000170.3(GLDC):c.1182G>A (p.Met394Ile)

Gene: GLDC (glycine decarboxylase; minus strand). Cytogenetic location: 9p24.1.
Variant type: single nucleotide variant.
Coding change: c.1182G>A on transcript NM_000170.3 (MANE Select); coding-DNA position 1182, G replaced by A.
Protein change: p.Met394Ile; replaces methionine 394 with isoleucine.
Molecular consequence: missense variant.
Genome position (GRCh38, 1-based): chr9:6,595,093, C>T on the plus strand (G>A on the coding strand, the complement: GLDC is on the minus strand). VCF-style: chr9-6595093-C-T. GRCh37 (hg19) VCF-style: chr9-6595093-C-T.
Other names: short protein forms M394I.
Identifiers: ClinVar variation 1304172 (VCV001304172.2), dbSNP rs1249681861, ClinGen allele CA372894363.

ClinVar aggregate classification (germline): Uncertain significance (1 of 4 stars; one submission).

Allele frequency attached by ClinVar (database versions not stated): TOPMed below 0.00001; gnomAD 0.00001.
gnomAD v4.1: 2 of 1,612,708 alleles (0.00012%); highest among the groups gnomAD compares: African/African-American, 0.0027%; no homozygotes.

Submission:

GeneDx
Classification: Uncertain significance. Last evaluated: 2020-06-30. Review status: criteria provided, single submitter. Criteria: GeneDx Variant Classification Process June 2021. Collection method: clinical testing. Allele origin: germline. Affected: yes.
Comment: Not observed in large population cohorts (Lek et al., 2016); In silico analysis supports that this missense variant has a deleterious effect on protein structure/function; Has not been previously published as pathogenic or benign to our knowledge